The following is an entry in ClinVar:

ClinVar aggregate classification (germline): Uncertain significance (1 of 4 stars; one submission).

Conditions:
Inborn genetic diseases. Identifiers: MedGen C0950123, MeSH D030342.

Submission:

Ambry Genetics
Classification: Uncertain significance for Inborn genetic diseases. Last evaluated: 2025-02-07. Review status: criteria provided, single submitter. Criteria: Ambry Variant Classification Scheme 2023. Collection method: clinical testing. Allele origin: germline.
Comment: The p.T538A variant (also known as c.1612A>G), located in coding exon 8 of the MECOM gene, results from an A to G substitution at nucleotide position 1612. The threonine at codon 538 is replaced by alanine, an amino acid with similar properties. This amino acid position is conserved. In addition, this alteration is predicted to be tolerated by in silico analysis. Based on the available evidence, the clinical significance of this variant remains unclear.

NM_004991.4(MECOM):c.1612A>G (p.Thr538Ala)

Gene: MECOM (MDS1 and EVI1 complex locus; minus strand). Cytogenetic location: 3q26.2.
Variant type: single nucleotide variant.
Coding change: c.1612A>G on transcript NM_004991.4 (MANE Select); coding-DNA position 1612, A replaced by G.
Protein change: p.Thr538Ala; replaces threonine 538 with alanine.
Molecular consequence: missense variant. On other transcripts: intron variant (2).
Genome position (GRCh38, 1-based): chr3:169,116,260, T>C on the plus strand (A>G on the coding strand, the complement: MECOM is on the minus strand). VCF-style: chr3-169116260-T-C. GRCh37 (hg19) VCF-style: chr3-168834048-T-C.
Other names: c.1243A>G, p.Thr415Ala (NM_001105077.4); c.1048A>G, p.Thr350Ala (NM_001105078.4, NM_001164000.2, NM_001205194.2 and 4 more transcripts); c.1051A>G, p.Thr351Ala (NM_001163999.2, NM_001366467.2, NM_001366468.2 and 1 more transcripts); c.1612A>G, p.Thr538Ala (NM_001366466.2); c.1133-493A>G (NM_001366473.2); c.569-493A>G (NM_001366474.2); short protein forms T350A, T351A, T538A, T415A.
Identifiers: ClinVar variation 3871807 (VCV003871807.1).